The following is an entry in ClinVar:

NM_024926.4(IFT56):c.222G>A (p.Lys74=)

Gene: IFT56 (intraflagellar transport 56; plus strand). Cytogenetic location: 7q34.
Variant type: single nucleotide variant.
Coding change: c.222G>A on transcript NM_024926.4 (MANE Select); coding-DNA position 222, G replaced by A.
Protein change: p.Lys74=; no amino-acid change (lysine 74 retained).
Molecular consequence: synonymous variant. On other transcripts: 5 prime UTR variant (2), intron variant (1).
Genome position (GRCh38, 1-based): chr7:139,137,927, G>A. VCF-style: chr7-139137927-G-A. GRCh37 (hg19) VCF-style: chr7-138822673-G-A.
Other names: c.222G>A, p.Lys74= (NM_001144920.3, NM_001287512.2, NM_001321740.2 and 2 more transcripts); c.-94G>A (NM_001287513.2); c.-360G>A (NM_001318333.2); c.142-1963G>A (NM_001144923.3); c.222G>A (NM_024926.3).
Identifiers: ClinVar variation 2193881 (VCV002193881.3), dbSNP rs746299522, ClinGen allele CA4508074.
Genomic context (GRCh38, chr7:139,137,927, plus strand): 5'-AGAAGAAGAGGATACTAATTTGTGGATTGGATATTGTGCCTTTCACCTGGGTGACTACAA[G>A]AGAGCTCTGGAGGTTAGTGTAAAAAAAGTTTTTTTCCTAACAGAACTGTGTTTAAAATGT-3'
Protein context (NP_079202.2, residues 64-84): GYCAFHLGDY[Lys74=]RALEEYENAT

ClinVar aggregate classification (germline): Likely benign. Review status: criteria provided, multiple submitters, no conflicts (2 of 4 stars). 2 submissions from 2 submitters: Likely benign (2). Last evaluated 2026-04-13.

Conditions:
IFT56-related disorder. Also called: IFT56-related condition.

Allele frequency attached by ClinVar (database versions not stated): gnomAD 0.00001; gnomAD exomes 0.00005; TOPMed 0.00008; ExAC 0.00010.
gnomAD v4.1: 29 of 1,611,750 alleles (0.0018%); highest among the groups gnomAD compares: Admixed American, 0.048%; no homozygotes.

Submissions (2):

PreventionGenetics, part of Exact Sciences
Classification: Likely benign for IFT56-related condition. Last evaluated: 2026-04-13. Review status: criteria provided, single submitter. Criteria: ACMG Guidelines, 2015. Collection method: clinical testing. Allele origin: germline.
Comment: This variant is classified as likely benign based on ACMG/AMP sequence variant interpretation guidelines (Richards et al. 2015 PMID: 25741868, with internal and published modifications).

Labcorp Genetics (formerly Invitae), Labcorp
Classification: Likely benign. Last evaluated: 2025-04-01. Review status: criteria provided, single submitter. Criteria: Invitae Variant Classification Sherloc (09022015). Collection method: clinical testing. Allele origin: germline.